The following is an entry in ClinVar:

ClinVar aggregate classification (germline): Benign/Likely benign. Review status: criteria provided, multiple submitters, no conflicts (2 of 4 stars). 3 submissions from 3 submitters: Benign (1); Likely benign (2). Last evaluated 2025-08-21.

Conditions:
Hereditary cancer-predisposing syndrome. Also called: Tumor predisposition; Neoplastic Syndromes, Hereditary; Hereditary Cancer Syndrome; Hereditary neoplastic syndrome. Identifiers: Orphanet 140162, MedGen C0027672, MeSH D009386, MONDO:0015356.
Hereditary nonpolyposis colorectal neoplasms. Identifiers: MedGen C0009405, MeSH D003123.
Lynch syndrome 4 (LYNCH4). Also called: Colorectal cancer, hereditary nonpolyposis, type 4; Hereditary non-polyposis colorectal cancer, type 4. Identifiers: Orphanet 144, MedGen C1838333, MONDO:0013699, OMIM 614337. Disease mechanism: loss of function.

Submissions (3):

Labcorp Genetics (formerly Invitae), Labcorp
Classification: Likely benign for Hereditary nonpolyposis colorectal neoplasms. Last evaluated: 2025-08-21. Review status: criteria provided, single submitter. Criteria: Invitae Variant Classification Sherloc (09022015). Collection method: clinical testing. Allele origin: germline.

Myriad Genetics, Inc.
Classification: Benign for Lynch syndrome 4. Last evaluated: 2025-02-04. Review status: criteria provided, single submitter. Criteria: Myriad Autosomal Dominant, Autosomal Recessive and X-Linked Classification Criteria (2023). Collection method: clinical testing. Allele origin: unknown.
Comment: This variant is considered benign. This variant is a silent/synonymous amino acid change and it is not expected to impact splicing.

Ambry Genetics
Classification: Likely benign for Hereditary cancer-predisposing syndrome. Last evaluated: 2021-07-29. Review status: criteria provided, single submitter. Criteria: Ambry Variant Classification Scheme 2023. Collection method: clinical testing. Allele origin: germline.

NM_000535.7(PMS2):c.2490G>A (p.Leu830=)

Gene: PMS2 (PMS1 homolog 2, mismatch repair system component; minus strand). Cytogenetic location: 7p22.1.
Variant type: single nucleotide variant.
Coding change: c.2490G>A on transcript NM_000535.7 (MANE Select); coding-DNA position 2490, G replaced by A.
Protein change: p.Leu830=; no amino-acid change (leucine 830 retained).
Molecular consequence: synonymous variant. On other transcripts: non-coding transcript variant (1).
Genome position (GRCh38, 1-based): chr7:5,973,498, C>T on the plus strand (G>A on the coding strand, the complement: PMS2 is on the minus strand). VCF-style: chr7-5973498-C-T. GRCh37 (hg19) VCF-style: chr7-6013129-C-T.
Other names: c.2085G>A, p.Leu695= (NM_001322003.2, NM_001322004.2, NM_001322005.2); c.2334G>A, p.Leu778= (NM_001322006.2); c.2172G>A, p.Leu724= (NM_001322007.2, NM_001322008.2); c.2118G>A, p.Leu706= (NM_001322009.2); c.1929G>A, p.Leu643= (NM_001322010.2); c.1557G>A, p.Leu519= (NM_001322011.2, NM_001322012.2); c.1917G>A, p.Leu639= (NM_001322013.2); c.2523G>A, p.Leu841= (NM_001322014.2); and 1 more.
Identifiers: ClinVar variation 765217 (VCV000765217.12), dbSNP rs1334620570, ClinGen allele CA453642121.
Genomic context (GRCh38, chr7:5,973,498, plus strand): 5'-CATGGTTGGCCTTCCATGGGGACAGTTCCAGGGGTGGTCCATCTCCCCCATGTGGGTGAT[C>T]AGTTTCTTCATCTCGCTTGTGTTAAGAGCAGTCCCAATCATCACCTGAGTGTGAGACACA-3'
Protein context (NP_000526.2, residues 820-840): TALNTSEMKK[Leu830=]ITHMGEMDHP